The following is an entry in ClinVar:

ClinVar aggregate classification (germline): Uncertain significance. Review status: criteria provided, multiple submitters, no conflicts (2 of 4 stars). 7 submissions from 7 submitters: Uncertain significance (7). Last evaluated 2025-10-28.

Conditions:
Hereditary breast ovarian cancer syndrome. Also called: Hereditary breast and ovarian cancer syndrome; Hereditary breast and/or ovarian cancer syndrome; Hereditary breast and ovarian cancer; Hereditary breast and ovarian cancer syndrome (HBOC); Breast and ovarian cancer; BRCA1- and BRCA2-Associated Hereditary Breast and Ovarian Cancer. Identifiers: Orphanet 145, MedGen C0677776, MeSH D061325, MONDO:0003582. Disease mechanism: loss of function.
Fanconi anemia complementation group D1. Also called: BRCA2-Related Fanconi Anemia. Identifiers: Orphanet 319462, MedGen C1838457, MONDO:0011584, OMIM 605724.
Familial cancer of breast. Also called: Hereditary breast cancer; hereditary breast carcinoma; BREAST CANCER, FAMILIAL. Identifiers: Orphanet 227535, MedGen C0346153, MONDO:0016419, OMIM 114480. Disease mechanism: loss of function.
Breast-ovarian cancer, familial, susceptibility to, 2 (BROVCA2). Also called: BRCA2 Hereditary Breast and Ovarian Cancer. Identifiers: Orphanet 145, MedGen C2675520, MONDO:0012933, OMIM 612555. Disease mechanism: loss of function.
Wilms tumor 1 (WT1). Also called: Wilms tumor, somatic. Identifiers: Orphanet 654, MedGen CN033288, MONDO:0008679, OMIM 194070.
Pancreatic cancer, susceptibility to, 2. Identifiers: Orphanet 1333, MedGen C3150546, MONDO:0013235, OMIM 613347.
Glioma susceptibility 3 (GLM3). Also called: Glioblastoma 3. Identifiers: Orphanet 182067, Orphanet 360, MedGen C2751641, MONDO:0013093, OMIM 613029.
Medulloblastoma (MDB). Also called: MEDULLOBLASTOMA PREDISPOSITION SYNDROME; Medulloblastoma, somatic. Identifiers: Orphanet 616, MedGen C0025149, MeSH D008527, MONDO:0007959, OMIM 155255, HP:0002885.
Familial prostate cancer. Also called: Hereditary Prostate Cancer. Identifiers: MedGen C2931456, MONDO:0700275, OMIM 176807.
Hereditary cancer-predisposing syndrome. Also called: Tumor predisposition; Hereditary neoplastic syndrome; Neoplastic Syndromes, Hereditary; Hereditary Cancer Syndrome. Identifiers: Orphanet 140162, MedGen C0027672, MeSH D009386, MONDO:0015356.

Allele frequency attached by ClinVar (database versions not stated): gnomAD exomes below 0.00001 and 0.00001; TOPMed below 0.00001.

Submissions (7):

Ambry Genetics
Classification: Uncertain significance for Hereditary cancer-predisposing syndrome. Last evaluated: 2025-10-28. Review status: criteria provided, single submitter. Criteria: Ambry Variant Classification Scheme 2023. Collection method: clinical testing. Allele origin: germline.
Comment: The p.N3187S variant (also known as c.9560A>G), located in coding exon 25 of the BRCA2 gene, results from an A to G substitution at nucleotide position 9560. The asparagine at codon 3187 is replaced by serine, an amino acid with highly similar properties. This amino acid position is not well conserved in available vertebrate species. In addition, this alteration is predicted to be tolerated by in silico analysis. Based on the available evidence, the clinical significance of this variant remains unclear.

Labcorp Genetics (formerly Invitae), Labcorp
Classification: Uncertain significance for Hereditary breast ovarian cancer syndrome. Last evaluated: 2025-06-15. Review status: criteria provided, single submitter. Criteria: Invitae Variant Classification Sherloc (09022015). Collection method: clinical testing. Allele origin: germline.
Comment: This sequence change replaces asparagine, which is neutral and polar, with serine, which is neutral and polar, at codon 3187 of the BRCA2 protein (p.Asn3187Ser). This variant is present in population databases (no rsID available, gnomAD 0.006%). This variant has not been reported in the literature in individuals affected with BRCA2-related conditions. ClinVar contains an entry for this variant (Variation ID: 573723). Invitae Evidence Modeling of protein sequence and biophysical properties (such as structural, functional, and spatial information, amino acid conservation, physicochemical variation, residue mobility, and thermodynamic stability) indicates that this missense variant is not expected to disrupt BRCA2 protein function with a negative predictive value of 95%. In summary, the available evidence is currently insufficient to determine the role of this variant in disease. Therefore, it has been classified as a Variant of Uncertain Significance.

Color Diagnostics, LLC DBA Color Health
Classification: Uncertain significance for Hereditary cancer-predisposing syndrome. Last evaluated: 2024-10-29. Review status: criteria provided, single submitter. Criteria: ACMG Guidelines, 2015. Collection method: clinical testing. Allele origin: germline.
Comment: This missense variant replaces asparagine with serine at codon 3187 of the BRCA2 protein. Computational prediction suggests that this variant may not impact protein structure and function. To our knowledge, functional studies have not been reported for this variant. This variant has not been reported in individuals affected with BRCA2-related disorders in the literature. This variant has been identified in 2/251412 chromosomes in the general population by the Genome Aggregation Database (gnomAD). The available evidence is insufficient to determine the role of this variant in disease conclusively. Therefore, this variant is classified as a Variant of Uncertain Significance.

Fulgent Genetics
Classification: Uncertain significance for Familial cancer of breast; Medulloblastoma; Familial prostate cancer; Wilms tumor 1; Fanconi anemia complementation group D1; Breast-ovarian cancer, familial, susceptibility to, 2; Glioma susceptibility 3; Pancreatic cancer, susceptibility to, 2. Last evaluated: 2024-05-25. Review status: criteria provided, single submitter. Criteria: ACMG Guidelines, 2015. Collection method: clinical testing. Allele origin: germline.

Quest Diagnostics Nichols Institute San Juan Capistrano
Classification: Uncertain significance. Last evaluated: 2022-10-18. Review status: criteria provided, single submitter. Criteria: Quest Diagnostics criteria. Collection method: clinical testing. Allele origin: unknown.
Comment: The variant has not been reported in the published literature. The frequency of this variant in the general population, 0.000008 (2/251412 chromosomes), is uninformative in assessment of its pathogenicity. Analysis of this variant using bioinformatics tools for the prediction of the effect of amino acid changes on protein structure and function yielded predictions that this variant is benign. Based on the available information, we are unable to determine the clinical significance of this variant.

Women's Health and Genetics/Laboratory Corporation of America, LabCorp
Classification: Uncertain significance. Last evaluated: 2021-01-07. Review status: criteria provided, single submitter. Criteria: LabCorp Variant Classification Summary - May 2015. Collection method: clinical testing. Allele origin: germline.
Comment: Variant summary: BRCA2 c.9560A>G (p.Asn3187Ser) results in a conservative amino acid change in the encoded protein sequence. Five of five in-silico tools predict a benign effect of the variant on protein function. The variant allele was found at a frequency of 8e-06 in 251412 control chromosomes. The available data on variant occurrences in the general population are insufficient to allow any conclusion about variant significance. To our knowledge, no occurrence of c.9560A>G in individuals affected with Hereditary Breast And Ovarian Cancer Syndrome and no experimental evidence demonstrating its impact on protein function have been reported. One clinical diagnostic laboratory has submitted clinical-significance assessments for this variant to ClinVar after 2014 without evidence for independent evaluation and classified the variant as uncertain significance. Based on the evidence outlined above, the variant was classified as uncertain significance.

Genetic Services Laboratory, University of Chicago
Classification: Uncertain significance. Last evaluated: 2019-07-09. Review status: criteria provided, single submitter. Criteria: ACMG Guidelines, 2015. Collection method: clinical testing. Allele origin: germline. Affected: no.

NM_000059.4(BRCA2):c.9560A>G (p.Asn3187Ser)

Gene: BRCA2 (BRCA2 DNA repair associated; plus strand). Cytogenetic location: 13q13.1.
Variant type: single nucleotide variant.
Coding change: c.9560A>G on transcript NM_000059.4 (MANE Select); coding-DNA position 9560, A replaced by G.
Protein change: p.Asn3187Ser; replaces asparagine 3187 with serine.
Molecular consequence: missense variant.
Genome position (GRCh38, 1-based): chr13:32,396,956, A>G. VCF-style: chr13-32396956-A-G. GRCh37 (hg19) VCF-style: chr13-32971093-A-G.
Other names: short protein forms N3187S.
Identifiers: ClinVar variation 573723 (VCV000573723.20), dbSNP rs1329182873, ClinGen allele CA387763259.